The following is an entry in ClinVar:

NM_000059.4(BRCA2):c.8440A>G (p.Asn2814Asp)

Gene: BRCA2 (BRCA2 DNA repair associated; plus strand). Cytogenetic location: 13q13.1.
Variant type: single nucleotide variant.
Coding change: c.8440A>G on transcript NM_000059.4 (MANE Select); coding-DNA position 8440, A replaced by G.
Protein change: p.Asn2814Asp; replaces asparagine 2814 with aspartic acid.
Molecular consequence: missense variant.
Genome position (GRCh38, 1-based): chr13:32,370,510, A>G. VCF-style: chr13-32370510-A-G. GRCh37 (hg19) VCF-style: chr13-32944647-A-G.
Other names: short protein forms N2814D.
Identifiers: ClinVar variation 233292 (VCV000233292.29), dbSNP rs876660312, ClinGen allele CA10579786.
Genomic context (GRCh38, chr13:32,370,510, plus strand): 5'-TTCTTTCCTGACCCTAGACCTTTTCCTCTGCCCTTATCATCGCTTTTCAGTGATGGAGGA[A>G]ATGTTGGTTGTGTTGATGTAATTATTCAAAGAGCATACCCTATACAGGTATGATGTATTC-3'
Protein context (NP_000050.3, residues 2804-2824): PLSSLFSDGG[Asn2814Asp]VGCVDVIIQR

ClinVar aggregate classification (germline): Conflicting classifications of pathogenicity. Review status: criteria provided, conflicting classifications (1 of 4 stars). 8 submissions from 8 submitters: Uncertain significance (6); Benign (1). 1 of the submissions does not count toward it. Last evaluated 2026-01-21.

Conditions:
BRCA2-related disorder. Also called: BRCA2-related condition; BRCA2-related disorders. Identifiers: MedGen CN239275.
Hereditary cancer-predisposing syndrome. Also called: Neoplastic Syndromes, Hereditary; Tumor predisposition; Hereditary Cancer Syndrome; Hereditary neoplastic syndrome. Identifiers: Orphanet 140162, MedGen C0027672, MeSH D009386, MONDO:0015356.
Hereditary breast ovarian cancer syndrome. Also called: Hereditary breast and ovarian cancer syndrome; BRCA1- and BRCA2-Associated Hereditary Breast and Ovarian Cancer; Breast and ovarian cancer; Hereditary breast and/or ovarian cancer syndrome; Hereditary breast and ovarian cancer; Hereditary breast and ovarian cancer syndrome (HBOC). Identifiers: Orphanet 145, MedGen C0677776, MeSH D061325, MONDO:0003582. Disease mechanism: loss of function.
BRCA2-related cancer predisposition. Identifiers: MedGen CN377758, MONDO:0700269.

Allele frequency attached by ClinVar (database versions not stated): TOPMed below 0.00001; gnomAD 0.00001.
gnomAD v4.1: 1 of 1,613,808 alleles (0.000062%); highest among the groups gnomAD compares: African/African-American, 0.0013%; no homozygotes.

Submissions (8):

Labcorp Genetics (formerly Invitae), Labcorp
Classification: Uncertain significance for Hereditary breast ovarian cancer syndrome. Last evaluated: 2026-01-21. Review status: criteria provided, single submitter. Criteria: Invitae Variant Classification Sherloc (09022015). Collection method: clinical testing. Allele origin: germline.
Comment: This sequence change replaces asparagine, which is neutral and polar, with aspartic acid, which is acidic and polar, at codon 2814 of the BRCA2 protein (p.Asn2814Asp). This variant is not present in population databases (gnomAD no frequency). This variant has not been reported in the literature in individuals affected with BRCA2-related conditions. ClinVar contains an entry for this variant (Variation ID: 233292). Invitae Evidence Modeling of protein sequence and biophysical properties (such as structural, functional, and spatial information, amino acid conservation, physicochemical variation, residue mobility, and thermodynamic stability) indicates that this missense variant is not expected to disrupt BRCA2 protein function with a negative predictive value of 95%. In summary, the available evidence is currently insufficient to determine the role of this variant in disease. Therefore, it has been classified as a Variant of Uncertain Significance.

Women's Health and Genetics/Laboratory Corporation of America, LabCorp
Classification: Uncertain significance. Last evaluated: 2025-11-04. Review status: criteria provided, single submitter. Criteria: LabCorp Variant Classification Summary - May 2015. Collection method: clinical testing. Allele origin: germline.
Comment: Variant summary: BRCA2 c.8440A>G (p.Asn2814Asp) results in a conservative amino acid change in the encoded protein sequence. Algorithms developed to predict the effect of missense changes on protein structure and function all suggest that this variant is likely to be tolerated. The variant was absent in 251384 control chromosomes. The available data on variant occurrences in the general population are insufficient to allow any conclusion about variant significance. c.8440A>G has been observed in one individual affected with aggressive prostate cancer (Brady_2022). These report(s) do not provide unequivocal conclusions about association of the variant with Hereditary Breast And Ovarian Cancer Syndrome. To our knowledge, no experimental evidence demonstrating an impact on protein function has been reported. The following publication has been ascertained in the context of this evaluation (PMID: 35467778). ClinVar contains an entry for this variant (Variation ID: 233292). Based on the evidence outlined above, the variant was classified as uncertain significance.

Ambry Genetics
Classification: Benign for Hereditary cancer-predisposing syndrome. Last evaluated: 2025-05-19. Review status: criteria provided, single submitter. Criteria: Ambry Variant Classification Scheme 2023. Collection method: clinical testing. Allele origin: germline.

All of Us Research Program, National Institutes of Health
Classification: Uncertain significance for BRCA2-related cancer predisposition. Last evaluated: 2024-06-11. Review status: criteria provided, single submitter. Criteria: ACMG Guidelines, 2015. Collection method: clinical testing. Allele origin: germline. Inheritance: Autosomal dominant inheritance. Observed: 3 variant alleles, 3 heterozygotes.
Comment: This missense variant replaces asparagine with aspartic acid at codon 2814 of the BRCA2 protein. Computational prediction suggests that this variant may not impact protein structure and function (internally defined REVEL score threshold <= 0.5, PMID: 27666373). Splice site prediction tools suggest that this variant may not impact RNA splicing. To our knowledge, functional studies have not been performed for this variant. This variant has not been reported in individuals affected with hereditary cancer in the literature. This variant has not been identified in the general population by the Genome Aggregation Database (gnomAD). The available evidence is insufficient to determine the role of this variant in disease conclusively. Therefore, this variant is classified as a Variant of Uncertain Significance.

This study involves interpretation of variants in research participants for the purpose of population health screening. Participant phenotype was not available at the time of variant classification. Additional details can be found in publication PMID: 35346344, PMCID: PMC8962531

Quest Diagnostics Nichols Institute San Juan Capistrano
Classification: Uncertain significance. Last evaluated: 2024-05-10. Review status: criteria provided, single submitter. Criteria: Quest Diagnostics criteria. Collection method: clinical testing. Allele origin: unknown.
Comment: The BRCA2 c.8440A>G (p.Asn2814Asp) variant has been reported in the published literature in an individual with colorectal cancer (PMID: 33359728 (2022)). The frequency of this variant in the general population, 0.0000066 (1/152138 chromosomes (Genome Aggregation Database)), is uninformative in the assessment of its pathogenicity. Analysis of this variant using bioinformatics tools for the prediction of the effect of amino acid changes on protein structure and function yielded predictions that this variant is benign. Based on the available information, we are unable to determine the clinical significance of this variant.

Color Diagnostics, LLC DBA Color Health
Classification: Uncertain significance for Hereditary cancer-predisposing syndrome. Last evaluated: 2023-11-21. Review status: criteria provided, single submitter. Criteria: ACMG Guidelines, 2015. Collection method: clinical testing. Allele origin: germline.
Comment: This missense variant replaces asparagine with aspartic acid at codon 2814 of the BRCA2 protein. Computational prediction suggests that this variant may not impact protein structure and function (internally defined REVEL score threshold <= 0.5, PMID: 27666373). To our knowledge, functional studies have not been reported for this variant. This variant has been reported in an individual affected with colorectal cancer (PMID: 33359728). This variant has not been identified in the general population by the Genome Aggregation Database (gnomAD). The available evidence is insufficient to determine the role of this variant in disease conclusively. Therefore, this variant is classified as a Variant of Uncertain Significance.

GeneDx
Classification: Uncertain significance. Last evaluated: 2020-04-02. Review status: criteria provided, single submitter. Criteria: GeneDx Variant Classification Process June 2021. Collection method: clinical testing. Allele origin: germline. Affected: yes.
Comment: Not observed in large population cohorts (Lek 2016); In silico analysis supports that this missense variant does not alter protein structure/function; Has not been previously published as pathogenic or benign to our knowledge

PreventionGenetics, part of Exact Sciences
Classification: Uncertain significance for BRCA2-related condition. Last evaluated: 2024-09-27. Review status: no assertion criteria provided. Collection method: clinical testing. Allele origin: germline. Not counted in ClinVar's aggregate classification.
Comment: The BRCA2 c.8440A>G variant is predicted to result in the amino acid substitution p.Asn2814Asp. This variant has been reported in an individual with young onset colorectal cancer (Supplementary Table 1, Dharwadkar et al. 2020. PubMed ID: 33359728). This variant has not been reported in a large population database, indicating this variant is rare. This variant is interpreted as uncertain significance in ClinVar. At this time, the clinical significance of this variant is uncertain due to the absence of conclusive functional and genetic evidence.

Literature cited by the submitters: PubMed 35467778 (cited by Women's Health and Genetics/Laboratory Corporation of America, LabCorp); PubMed 33359728 (cited by Quest Diagnostics Nichols Institute San Juan Capistrano and Color Diagnostics, LLC DBA Color Health).